The following is an entry in ClinVar:

ClinVar aggregate classification (germline): Likely benign (0 of 4 stars; one submission).

Conditions:
NXT2-related condition.

gnomAD v4.1: 51 of 1,204,113 alleles (0.0042%); highest among the groups gnomAD compares: Admixed American, 0.029%; no homozygotes.

Submission:

PreventionGenetics, part of Exact Sciences
Classification: Likely benign for NXT2-related condition. Last evaluated: 2024-07-03. Review status: no assertion criteria provided. Collection method: clinical testing. Allele origin: germline.
Comment: This variant is classified as likely benign based on ACMG/AMP sequence variant interpretation guidelines (Richards et al. 2015 PMID: 25741868, with internal and published modifications).

NM_001242617.2(NXT2):c.371A>G (p.Asn124Ser)

Gene: NXT2 (nuclear transport factor 2 like export factor 2; plus strand). Cytogenetic location: Xq23.
Variant type: single nucleotide variant.
Coding change: c.371A>G on transcript NM_001242617.2 (MANE Select); coding-DNA position 371, A replaced by G.
Protein change: p.Asn124Ser; replaces asparagine 124 with serine.
Molecular consequence: missense variant.
Genome position (GRCh38, 1-based): chrX:109,542,630, A>G. VCF-style: chrX-109542630-A-G. GRCh37 (hg19) VCF-style: chrX-108785859-A-G.
Other names: c.287A>G, p.Asn96Ser (NM_001242618.2); c.536A>G, p.Asn179Ser (NM_018698.5); short protein forms N124S, N179S, N96S.
Identifiers: ClinVar variation 3355675 (VCV003355675.1).